The following is an entry in ClinVar:

ClinVar aggregate classification (germline): Uncertain significance. Review status: criteria provided, multiple submitters, no conflicts (2 of 4 stars). 3 submissions from 3 submitters: Uncertain significance (3). Last evaluated 2025-05-15.

Conditions:
Inborn genetic diseases. Identifiers: MedGen C0950123, MeSH D030342.
Nephronophthisis 18 (NPHP18). Identifiers: Orphanet 655, MedGen C3890591, MONDO:0014374, OMIM 615862.

Allele frequency attached by ClinVar (database versions not stated): gnomAD 0.00003; TOPMed 0.00003; ExAC 0.00005.
gnomAD v4.1: 34 of 1,586,758 alleles (0.0021%); highest among the groups gnomAD compares: Middle Eastern, 0.033%; no homozygotes.

Submissions (3):

Ambry Genetics
Classification: Uncertain significance for Inborn genetic diseases. Last evaluated: 2025-05-15. Review status: criteria provided, single submitter. Criteria: Ambry Variant Classification Scheme 2023. Collection method: clinical testing. Allele origin: germline.

Blueprint Genetics
Classification: Uncertain significance. Last evaluated: 2024-06-20. Review status: criteria provided, single submitter. Criteria: ACMG Guidelines, 2015. Collection method: clinical testing. Allele origin: germline.

Labcorp Genetics (formerly Invitae), Labcorp
Classification: Uncertain significance for Nephronophthisis 18. Last evaluated: 2022-07-23. Review status: criteria provided, single submitter. Criteria: Invitae Variant Classification Sherloc (09022015). Collection method: clinical testing. Allele origin: germline.
Comment: This sequence change replaces lysine, which is basic and polar, with threonine, which is neutral and polar, at codon 465 of the CEP83 protein (p.Lys465Thr). This variant is present in population databases (rs779684041, gnomAD 0.007%). This variant has not been reported in the literature in individuals affected with CEP83-related conditions. Algorithms developed to predict the effect of missense changes on protein structure and function are either unavailable or do not agree on the potential impact of this missense change (SIFT: "Not Available"; PolyPhen-2: "Possibly Damaging"; Align-GVGD: "Not Available"). In summary, the available evidence is currently insufficient to determine the role of this variant in disease. Therefore, it has been classified as a Variant of Uncertain Significance.

NM_016122.3(CEP83):c.1394A>C (p.Lys465Thr)

Gene: CEP83 (centrosomal protein 83; minus strand). Cytogenetic location: 12q22.
Variant type: single nucleotide variant.
Coding change: c.1394A>C on transcript NM_016122.3 (MANE Select); coding-DNA position 1394, A replaced by C.
Protein change: p.Lys465Thr; replaces lysine 465 with threonine.
Molecular consequence: missense variant. On other transcripts: non-coding transcript variant (2).
Genome position (GRCh38, 1-based): chr12:94,335,614, T>G on the plus strand (A>C on the coding strand, the complement: CEP83 is on the minus strand). VCF-style: chr12-94335614-T-G. GRCh37 (hg19) VCF-style: chr12-94729390-T-G.
Other names: c.1394A>C, p.Lys465Thr (NM_001042399.2, NM_001346457.2, NM_001368037.1 and 1 more transcripts); c.1082A>C, p.Lys361Thr (NM_001346458.2, NM_001346459.2, NM_001368039.1 and 1 more transcripts); c.1169A>C, p.Lys390Thr (NM_001368041.1); c.1394A>C (NM_016122.2); short protein forms K361T, K465T, K390T.
Identifiers: ClinVar variation 2197520 (VCV002197520.3), dbSNP rs779684041, ClinGen allele CA6721657.